The following is an entry in ClinVar:

NM_003664.5(AP3B1):c.1282A>G (p.Ile428Val)

Gene: AP3B1 (adaptor related protein complex 3 subunit beta 1; minus strand). Cytogenetic location: 5q14.1.
Variant type: single nucleotide variant.
Coding change: c.1282A>G on transcript NM_003664.5 (MANE Select); coding-DNA position 1282, A replaced by G.
Protein change: p.Ile428Val; replaces isoleucine 428 with valine.
Molecular consequence: missense variant.
Genome position (GRCh38, 1-based): chr5:78,162,900, T>C on the plus strand (A>G on the coding strand, the complement: AP3B1 is on the minus strand). VCF-style: chr5-78162900-T-C. GRCh37 (hg19) VCF-style: chr5-77458724-T-C.
Other names: c.1135A>G, p.Ile379Val (NM_001271769.2); short protein forms I379V, I428V.
Identifiers: ClinVar variation 936364 (VCV000936364.7), dbSNP rs201185966, ClinGen allele CA3317103.

ClinVar aggregate classification (germline): Uncertain significance (1 of 4 stars; one submission).

Conditions:
Hermansky-Pudlak syndrome 2 (HPS2). Also called: Platelet defects and oculocutaneous albinism. Identifiers: Orphanet 183678, Orphanet 79430, MedGen C1842362, MONDO:0011997, OMIM 608233.

Allele frequency attached by ClinVar (database versions not stated): TOPMed below 0.00001; ExAC 0.00001; gnomAD 0.00001; gnomAD exomes 0.00001.
gnomAD v4.1: 24 of 1,613,780 alleles (0.0015%); highest among the groups gnomAD compares: Non-Finnish European, 0.0014%; no homozygotes.

Submission:

Labcorp Genetics (formerly Invitae), Labcorp
Classification: Uncertain significance for Hermansky-Pudlak syndrome 2. Last evaluated: 2021-08-31. Review status: criteria provided, single submitter. Criteria: Invitae Variant Classification Sherloc (09022015). Collection method: clinical testing. Allele origin: germline.
Comment: In summary, the available evidence is currently insufficient to determine the role of this variant in disease. Therefore, it has been classified as a Variant of Uncertain Significance. Algorithms developed to predict the effect of sequence changes on RNA splicing suggest that this variant may create or strengthen a splice site, but this prediction has not been confirmed by published transcriptional studies. Algorithms developed to predict the effect of missense changes on protein structure and function output the following: SIFT: "Tolerated"; PolyPhen-2: "Possibly Damaging"; Align-GVGD: "Class C0". The valine amino acid residue is found in multiple mammalian species, suggesting that this missense change does not adversely affect protein function. These predictions have not been confirmed by published functional studies and their clinical significance is uncertain. This variant has not been reported in the literature in individuals with AP3B1-related conditions. This variant is present in population databases (rs201185966, ExAC 0.02%). This sequence change replaces isoleucine with valine at codon 428 of the AP3B1 protein (p.Ile428Val). The isoleucine residue is highly conserved and there is a small physicochemical difference between isoleucine and valine.